The following is an entry in ClinVar:

NM_001129820.2(SLFN14):c.2472C>A (p.Asp824Glu)

Gene: SLFN14 (schlafen family member 14; minus strand). Cytogenetic location: 17q12.
Variant type: single nucleotide variant.
Coding change: c.2472C>A on transcript NM_001129820.2 (MANE Select); coding-DNA position 2472, C replaced by A.
Protein change: p.Asp824Glu; replaces aspartic acid 824 with glutamic acid.
Molecular consequence: missense variant.
Genome position (GRCh38, 1-based): chr17:35,548,506, G>T on the plus strand (C>A on the coding strand, the complement: SLFN14 is on the minus strand). VCF-style: chr17-35548506-G-T. GRCh37 (hg19) VCF-style: chr17-33875525-G-T.
Other names: p.Asp824Glu; short protein forms D824E.
Identifiers: ClinVar variation 756570 (VCV000756570.9), dbSNP rs150974695, ClinGen allele CA8504543.

ClinVar aggregate classification (germline): Conflicting classifications of pathogenicity. Review status: criteria provided, conflicting classifications (1 of 4 stars). 4 submissions from 4 submitters: Uncertain significance (1); Likely benign (3). Last evaluated 2025-09-26.

Conditions:
Inborn genetic diseases. Identifiers: MedGen C0950123, MeSH D030342.

Allele frequency attached by ClinVar (database versions not stated): gnomAD 0.00054 and 0.00056; gnomAD exomes 0.00012 and 0.00004; ESP Exome Variant Server 0.00044; TOPMed 0.00066; ExAC 0.00015; 1000 Genomes Project 0.00040; 1000 Genomes Project 30x 0.00047.

Submissions (4):

Ambry Genetics
Classification: Uncertain significance for Inborn genetic diseases. Last evaluated: 2025-09-26. Review status: criteria provided, single submitter. Criteria: Ambry Variant Classification Scheme 2023. Collection method: clinical testing. Allele origin: germline.

Mayo Clinic Laboratories, Mayo Clinic
Classification: Likely benign. Last evaluated: 2024-11-12. Review status: criteria provided, single submitter. Criteria: ACMG Guidelines, 2015. Collection method: clinical testing. Allele origin: germline. Observed: 1 variant allele.
Comment: BS1, BP4

Labcorp Genetics (formerly Invitae), Labcorp
Classification: Likely benign. Last evaluated: 2018-10-24. Review status: criteria provided, single submitter. Criteria: Invitae Variant Classification Sherloc (09022015). Collection method: clinical testing. Allele origin: germline.

Breakthrough Genomics
Classification: Likely benign. Review status: criteria provided, single submitter. Criteria: ACMG Guidelines, 2015. Collection method: not provided. Allele origin: germline. Inheritance: Autosomal dominant inheritance. Affected: yes.